The following is an entry in ClinVar:

ClinVar aggregate classification (germline): Uncertain significance (1 of 4 stars; one submission).

Submission:

Dasa
Classification: Uncertain significance. Last evaluated: 2026-06-05. Review status: criteria provided, single submitter. Criteria: DASA Assertion Criteria. Collection method: clinical testing. Allele origin: germline.
Comment: NM_058216.3(RAD51C):c.123G>A (p.Val41=) is a synonymous variant predicted not to alter the encoded amino acid sequence. This variant is absent from population databases. Computational prediction algorithms are consistent with a deleterious effect. The currently available literature and clinical evidence are not sufficient to establish a definitive association between this variant and the reported condition. Therefore, this variant is classified as a variant of uncertain significance.

NM_058216.3(RAD51C):c.123G>A (p.Val41=)

Gene: RAD51C (RAD51 paralog C; plus strand). Cytogenetic location: 17q22.
Variant type: single nucleotide variant.
Coding change: c.123G>A on transcript NM_058216.3 (MANE Select); coding-DNA position 123, G replaced by A.
Protein change: p.Val41=; no amino-acid change (valine 41 retained).
Molecular consequence: synonymous variant. On other transcripts: non-coding transcript variant (1).
Genome position (GRCh38, 1-based): chr17:58,692,766, G>A. VCF-style: chr17-58692766-G-A. GRCh37 (hg19) VCF-style: chr17-56770127-G-A.
Other names: c.123G>A, p.Val41= (NM_002876.4).
Identifiers: ClinVar variation 5020427 (VCV005020427.1).